The following is an entry in ClinVar:

NM_000143.4(FH):c.1299C>T (p.Asn433=)

Gene: FH (fumarate hydratase; minus strand). Cytogenetic location: 1q43.
Variant type: single nucleotide variant.
Coding change: c.1299C>T on transcript NM_000143.4 (MANE Select); coding-DNA position 1299, C replaced by T.
Protein change: p.Asn433=; no amino-acid change (asparagine 433 retained).
Molecular consequence: synonymous variant.
Genome position (GRCh38, 1-based): chr1:241,500,528, G>A on the plus strand (C>T on the coding strand, the complement: FH is on the minus strand). VCF-style: chr1-241500528-G-A. GRCh37 (hg19) VCF-style: chr1-241663828-G-A.
Identifiers: ClinVar variation 700529 (VCV000700529.26), dbSNP rs201994824, ClinGen allele CA1478483.

ClinVar aggregate classification (germline): Benign/Likely benign. Review status: criteria provided, multiple submitters, no conflicts (2 of 4 stars). 9 submissions from 9 submitters: Benign (3); Likely benign (5). 1 of the submissions does not count toward it. Last evaluated 2026-01-28.

Conditions:
FH-related disorder. Also called: FH-related disorders; FH-related condition.
Hereditary cancer-predisposing syndrome. Also called: Neoplastic Syndromes, Hereditary; Tumor predisposition; Hereditary Cancer Syndrome; Hereditary neoplastic syndrome. Identifiers: Orphanet 140162, MedGen C0027672, MeSH D009386, MONDO:0015356.
Hereditary leiomyomatosis and renal cell cancer. Also called: Familial leiomyomatosis; FH tumor predisposition syndrome; MULTIPLE CUTANEOUS AND UTERINE LEIOMYOMATA 1, WITH OR WITHOUT RENAL CELL CARCINOMA; Reed syndrome; Multiple cutaneous and uterine leiomyomatosis; Cutaneous leiomyomata with uterine leiomyomata. Identifiers: Orphanet 523, MedGen C1708350, MONDO:0007888, OMIM 150800, HP:0007437. Disease mechanism: loss of function.
Fumarase deficiency (FMRD). Also called: Fumarate Hydratase Deficiency; Fumaric aciduria. Identifiers: Orphanet 24, MedGen C0342770, MONDO:0011730, OMIM 606812.

Allele frequency attached by ClinVar (database versions not stated): TOPMed 0.00002; ESP Exome Variant Server 0.00008; 1000 Genomes Project 30x 0.00016; gnomAD exomes 0.00018 and 0.00036; 1000 Genomes Project 0.00020; ExAC 0.00030; gnomAD 0.00044 and 0.00047.
gnomAD v4.1: 331 of 1,612,296 alleles (0.021%); highest among the groups gnomAD compares: Non-Finnish European, 0.0081%; no homozygotes.

Submissions (9):

Labcorp Genetics (formerly Invitae), Labcorp
Classification: Benign. Last evaluated: 2026-01-28. Review status: criteria provided, single submitter. Criteria: Invitae Variant Classification Sherloc (09022015). Collection method: clinical testing. Allele origin: germline.

PreventionGenetics, part of Exact Sciences
Classification: Likely benign for FH-related condition. Last evaluated: 2025-06-09. Review status: criteria provided, single submitter. Criteria: ACMG Guidelines, 2015. Collection method: clinical testing. Allele origin: germline.
Comment: This variant is classified as likely benign based on ACMG/AMP sequence variant interpretation guidelines (Richards et al. 2015 PMID: 25741868, with internal and published modifications).

Quest Diagnostics Nichols Institute San Juan Capistrano
Classification: Benign. Last evaluated: 2025-06-09. Review status: criteria provided, single submitter. Criteria: Quest Diagnostics criteria. Collection method: clinical testing. Allele origin: unknown.

Center for Genomic Medicine, Rigshospitalet, Copenhagen University Hospital
Classification: Likely benign. Last evaluated: 2025-03-04. Review status: criteria provided, single submitter. Criteria: ACMG Guidelines, 2015. Collection method: clinical testing. Allele origin: germline.

Myriad Genetics, Inc.
Classification: Benign for Hereditary leiomyomatosis and renal cell cancer. Last evaluated: 2024-10-21. Review status: criteria provided, single submitter. Criteria: Myriad Autosomal Dominant, Autosomal Recessive and X-Linked Classification Criteria (2023). Collection method: clinical testing. Allele origin: unknown.
Comment: This variant is considered benign. This variant is a silent/synonymous amino acid change and it is not expected to impact splicing.

Blueprint Genetics
Classification: Likely benign. Last evaluated: 2024-09-10. Review status: criteria provided, single submitter. Criteria: ACMG Guidelines, 2015. Collection method: clinical testing. Allele origin: germline.

GeneDx
Classification: Likely benign. Last evaluated: 2019-11-04. Review status: criteria provided, single submitter. Criteria: GeneDx Variant Classification Process June 2021. Collection method: clinical testing. Allele origin: germline. Affected: yes.
Comment: This variant is associated with the following publications: (PMID: 16477632)

Ambry Genetics
Classification: Likely benign for Hereditary cancer-predisposing syndrome. Last evaluated: 2018-08-29. Review status: criteria provided, single submitter. Criteria: Ambry Variant Classification Scheme 2023. Collection method: clinical testing. Allele origin: germline.

Natera, Inc.
Classification: Likely benign for Fumarase Deficiency. Last evaluated: 2020-02-05. Review status: no assertion criteria provided. Collection method: clinical testing. Allele origin: germline. Not counted in ClinVar's aggregate classification.